The following is an entry in ClinVar:

ClinVar aggregate classification (germline): Uncertain significance (1 of 4 stars; one submission).

Conditions:
Multiple sulfatase deficiency (MSD). Also called: Multiple Sulfatase Deficiency Disease; Sulfatidosis, Juvenile, Austin Type; Mucosulfatidosis. Identifiers: Orphanet 585, MedGen C0268263, MONDO:0010088, OMIM 272200.

Submission:

Labcorp Genetics (formerly Invitae), Labcorp
Classification: Uncertain significance for Multiple sulfatase deficiency. Last evaluated: 2022-02-04. Review status: criteria provided, single submitter. Criteria: Invitae Variant Classification Sherloc (09022015). Collection method: clinical testing. Allele origin: germline.
Comment: This sequence change replaces tyrosine, which is neutral and polar, with cysteine, which is neutral and slightly polar, at codon 257 of the SUMF1 protein (p.Tyr257Cys). This variant is not present in population databases (gnomAD no frequency). This variant has not been reported in the literature in individuals affected with SUMF1-related conditions. Algorithms developed to predict the effect of missense changes on protein structure and function (SIFT, PolyPhen-2, Align-GVGD) all suggest that this variant is likely to be disruptive. In summary, the available evidence is currently insufficient to determine the role of this variant in disease. Therefore, it has been classified as a Variant of Uncertain Significance.

NM_182760.4(SUMF1):c.770A>G (p.Tyr257Cys)

Gene: SUMF1 (sulfatase modifying factor 1; minus strand). Cytogenetic location: 3p26.1.
Variant type: single nucleotide variant.
Coding change: c.770A>G on transcript NM_182760.4 (MANE Select); coding-DNA position 770, A replaced by G.
Protein change: p.Tyr257Cys; replaces tyrosine 257 with cysteine.
Molecular consequence: missense variant.
Genome position (GRCh38, 1-based): chr3:4,417,198, T>C on the plus strand (A>G on the coding strand, the complement: SUMF1 is on the minus strand). VCF-style: chr3-4417198-T-C. GRCh37 (hg19) VCF-style: chr3-4458882-T-C.
Other names: c.695A>G, p.Tyr232Cys (NM_001164674.2); c.770A>G, p.Tyr257Cys (NM_001164675.2); short protein forms Y232C, Y257C.
Identifiers: ClinVar variation 2167141 (VCV002167141.1), dbSNP rs2125032082, ClinGen allele CA351632118.
Genomic context (GRCh38, chr3:4,417,198, plus strand): 5'-CCTTGGAAGCCATCCTCACCAGTGTTGGTCACCGGAAACTCGCCCTGCCAAATGTTGGCA[T>C]AATGCTGGCCTTTGGGCTGCAGTTTGTTGCCCCAGGGGAAAAGTCTGTCAGAAGAGACAC-3'
Protein context (NP_877437.2, residues 247-267): GNKLQPKGQH[Tyr257Cys]ANIWQGEFPV